The following is an entry in ClinVar:

ClinVar aggregate classification (germline): Uncertain significance (1 of 4 stars; one submission).

gnomAD v4.1: 3 of 1,614,138 alleles (0.00019%); highest among the groups gnomAD compares: Non-Finnish European, 0.00025%; no homozygotes.

Submission:

Mayo Clinic Laboratories, Mayo Clinic
Classification: Uncertain significance. Last evaluated: 2025-10-24. Review status: criteria provided, single submitter. Criteria: ACMG Guidelines, 2015. Collection method: clinical testing. Allele origin: germline. Observed: 1 variant allele.
Comment: PP3, PM2_supporting

NM_022436.3(ABCG5):c.1463+5G>T

Genes: ABCG5 (ATP binding cassette subfamily G member 5; minus strand), DYNC2LI1 (dynein cytoplasmic 2 light intermediate chain 1; plus strand). Cytogenetic location: 2p21.
Variant type: single nucleotide variant.
Coding change: c.1463+5G>T on transcript NM_022436.3 (MANE Select); 5 bases into the intron after coding-DNA position 1463, G replaced by T.
Molecular consequence: intron variant.
Genome position (GRCh38, 1-based): chr2:43,822,792, C>A on the plus strand (G>T on the coding strand, the complement: ABCG5 is on the minus strand). VCF-style: chr2-43822792-C-A. GRCh37 (hg19) VCF-style: chr2-44049931-C-A.
Other names: c.*16-4594C>A (NM_001348913.2, NM_001348912.2).
Identifiers: ClinVar variation 4540639 (VCV004540639.1).